The following is an entry in ClinVar:

NM_015681.6(B9D1):c.301C>G (p.Arg101Gly)

Gene: B9D1 (B9 domain containing 1; minus strand). Cytogenetic location: 17p11.2.
Variant type: single nucleotide variant.
Coding change: c.301C>G on transcript NM_015681.6 (MANE Select); coding-DNA position 301, C replaced by G.
Protein change: p.Arg101Gly; replaces arginine 101 with glycine.
Molecular consequence: missense variant. On other transcripts: 5 prime UTR variant (1).
Genome position (GRCh38, 1-based): chr17:19,347,824, G>C on the plus strand (C>G on the coding strand, the complement: B9D1 is on the minus strand). VCF-style: chr17-19347824-G-C. GRCh37 (hg19) VCF-style: chr17-19251137-G-C.
Other names: c.301C>G, p.Arg101Gly (NM_001321214.2, NM_001321215.3, NM_001321216.2 and 4 more transcripts); c.-60C>G (NM_001368769.2); short protein forms R101G.
Identifiers: ClinVar variation 968746 (VCV000968746.5), dbSNP rs752718131, ClinGen allele CA398696561.

ClinVar aggregate classification (germline): Uncertain significance (1 of 4 stars; one submission).

Conditions:
Meckel-Gruber syndrome. Also called: Dysencephalia splachnocystica; DYSENCEPHALIA SPLANCHNOCYSTICA; GRUBER SYNDROME. Identifiers: Orphanet 564, MedGen C0265215, MONDO:0018921.
Joubert syndrome. Also called: Familial aplasia of the vermis; CEREBELLOPARENCHYMAL DISORDER IV; JOUBERT-BOLTSHAUSER SYNDROME. Identifiers: Orphanet 475, MedGen C5979921, MONDO:0018772.

Allele frequency attached by ClinVar (database versions not stated): gnomAD 0.00003 and 0.00004; TOPMed 0.00003.
gnomAD v4.1: 21 of 1,613,954 alleles (0.0013%); highest among the groups gnomAD compares: Non-Finnish European, 0.0016%; no homozygotes.

Submission:

Labcorp Genetics (formerly Invitae), Labcorp
Classification: Uncertain significance for Joubert syndrome; Meckel-Gruber syndrome. Last evaluated: 2022-08-23. Review status: criteria provided, single submitter. Criteria: Invitae Variant Classification Sherloc (09022015). Collection method: clinical testing. Allele origin: germline.
Comment: In summary, the available evidence is currently insufficient to determine the role of this variant in disease. Therefore, it has been classified as a Variant of Uncertain Significance. Algorithms developed to predict the effect of missense changes on protein structure and function are either unavailable or do not agree on the potential impact of this missense change (SIFT: "Tolerated"; PolyPhen-2: "Probably Damaging"; Align-GVGD: "Class C0"). ClinVar contains an entry for this variant (Variation ID: 968746). This variant has not been reported in the literature in individuals affected with B9D1-related conditions. This variant is present in population databases (no rsID available, gnomAD 0.007%). This sequence change replaces arginine, which is basic and polar, with glycine, which is neutral and non-polar, at codon 101 of the B9D1 protein (p.Arg101Gly).